The following is an entry in ClinVar:

ClinVar aggregate classification (germline): Uncertain significance. Review status: criteria provided, multiple submitters, no conflicts (2 of 4 stars). 2 submissions from 2 submitters: Uncertain significance (2). Last evaluated 2026-03-06.

gnomAD v4.1: 105 of 1,524,870 alleles (0.0069%); highest among the groups gnomAD compares: Non-Finnish European, 0.0086%; 20 homozygotes.

Submissions (2):

Women's Health and Genetics/Laboratory Corporation of America, LabCorp
Classification: Uncertain significance. Last evaluated: 2026-03-06. Review status: criteria provided, single submitter. Criteria: LabCorp Variant Classification Summary - May 2015. Collection method: clinical testing. Allele origin: germline.
Comment: Variant summary: CFHR1 c.668C>T (p.Pro223Leu) results in a non-conservative amino acid change in the encoded protein sequence. Algorithms developed to predict the effect of missense changes on protein structure and function are either unavailable or do not agree on the potential impact of this missense change. The variant allele was found at a frequency of 1.7e-05 in 237420 control chromosomes in the gnomAD database, including 1 homozygote. The available data on variant occurrences in the general population are insufficient to allow any conclusion about variant significance. To our knowledge, no occurrence of c.668C>T in individuals affected with CFHR1-related conditions and no experimental evidence demonstrating its impact on protein function have been reported. ClinVar contains an entry for this variant (Variation ID: 3380367). Based on the evidence outlined above, the variant was classified as uncertain significance.

Mayo Clinic Laboratories, Mayo Clinic
Classification: Uncertain significance. Last evaluated: 2023-06-20. Review status: criteria provided, single submitter. Criteria: ACMG Guidelines, 2015. Collection method: clinical testing. Allele origin: germline. Observed: 2 variant alleles.
Comment: BP4, PM2

NM_002113.3(CFHR1):c.668C>T (p.Pro223Leu)

Gene: CFHR1 (complement factor H related 1; plus strand). Cytogenetic location: 1q31.3.
Variant type: single nucleotide variant.
Coding change: c.668C>T on transcript NM_002113.3 (MANE Select); coding-DNA position 668, C replaced by T.
Protein change: p.Pro223Leu; replaces proline 223 with leucine.
Molecular consequence: missense variant.
Genome position (GRCh38, 1-based): chr1:196,830,560, C>T. VCF-style: chr1-196830560-C-T. GRCh37 (hg19) VCF-style: chr1-196799690-C-T.
Other names: p.Pro223Leu; c.617C>T, p.Pro206Leu (NM_001379306.1); c.506C>T, p.Pro169Leu (NM_001379307.1); c.503C>T, p.Pro168Leu (NM_001379308.1); c.500C>T, p.Pro167Leu (NM_001379309.1); c.473C>T, p.Pro158Leu (NM_001379310.1); c.464C>T, p.Pro155Leu (NM_001379311.1); c.425C>T, p.Pro142Leu (NM_001379312.1); short protein forms P142L, P155L, P158L, P167L, P168L, P169L, P206L, P223L.
Identifiers: ClinVar variation 3380367 (VCV003380367.2).